The following is an entry in ClinVar:

NM_000702.4(ATP1A2):c.152G>A (p.Arg51His)

Gene: ATP1A2 (ATPase Na+/K+ transporting subunit alpha 2; plus strand). Cytogenetic location: 1q23.2.
Variant type: single nucleotide variant.
Coding change: c.152G>A on transcript NM_000702.4 (MANE Select); coding-DNA position 152, G replaced by A.
Protein change: p.Arg51His; replaces arginine 51 with histidine.
Molecular consequence: missense variant.
Genome position (GRCh38, 1-based): chr1:160,121,226, G>A. VCF-style: chr1-160121226-G-A. GRCh37 (hg19) VCF-style: chr1-160091016-G-A.
Other names: short protein forms R51H.
Identifiers: ClinVar variation 372793 (VCV000372793.17), dbSNP rs144106169, ClinGen allele CA1194102.

ClinVar aggregate classification (germline): Conflicting classifications of pathogenicity. Review status: criteria provided, conflicting classifications (1 of 4 stars). 5 submissions from 5 submitters: Uncertain significance (3); Likely benign (1). 1 of the submissions does not count toward it. Last evaluated 2025-12-13.

Conditions:
ATP1A2-related disorder. Also called: ATP1A2-related condition; ATP1A2-RELATED DISORDERS.
Familial hemiplegic migraine. Identifiers: MedGen C0338484, MONDO:0000700.
Inborn genetic diseases. Identifiers: MedGen C0950123, MeSH D030342.

Allele frequency attached by ClinVar (database versions not stated): gnomAD 0.00006; ESP Exome Variant Server 0.00008; TOPMed 0.00015; 1000 Genomes Project 30x 0.00031; 1000 Genomes Project 0.00040.

Submissions (5):

Labcorp Genetics (formerly Invitae), Labcorp
Classification: Uncertain significance for Familial hemiplegic migraine. Last evaluated: 2025-12-13. Review status: criteria provided, single submitter. Criteria: Invitae Variant Classification Sherloc (09022015). Collection method: clinical testing. Allele origin: germline.
Comment: This sequence change replaces arginine, which is basic and polar, with histidine, which is basic and polar, at codon 51 of the ATP1A2 protein (p.Arg51His). This variant is present in population databases (rs144106169, gnomAD 0.02%). This missense change has been observed in individual(s) with migraine without aura (PMID: 23954377). ClinVar contains an entry for this variant (Variation ID: 372793). Invitae Evidence Modeling of protein sequence and biophysical properties (such as structural, functional, and spatial information, amino acid conservation, physicochemical variation, residue mobility, and thermodynamic stability) indicates that this missense variant is not expected to disrupt ATP1A2 protein function with a negative predictive value of 80%. Experimental studies have shown that this missense change does not substantially affect ATP1A2 function (PMID: 23954377). In summary, the available evidence is currently insufficient to determine the role of this variant in disease. Therefore, it has been classified as a Variant of Uncertain Significance.

Women's Health and Genetics/Laboratory Corporation of America, LabCorp
Classification: Uncertain significance. Last evaluated: 2024-04-04. Review status: criteria provided, single submitter. Criteria: LabCorp Variant Classification Summary - May 2015. Collection method: clinical testing. Allele origin: germline.
Comment: Variant summary: ATP1A2 c.152G>A (p.Arg51His) results in a non-conservative amino acid change in the encoded protein sequence. Three of five in-silico tools predict a benign effect of the variant on protein function. The variant allele was found at a frequency of 0.00012 in 251478 control chromosomes (gnomAD). c.152G>A has been reported in the literature in a family with migraine without aura (Swarts_2013). This report does not provide unequivocal conclusions about association of the variant with Familial Hemiplegic Migraine. At least one publication reports experimental evidence evaluating an impact on protein function (Swarts_2013). These results showed no damaging effect of this variant. The following publication has been ascertained in the context of this evaluation (PMID: 23954377). ClinVar contains an entry for this variant (Variation ID: 372793). Based on the evidence outlined above, the variant was classified as uncertain significance.

Ambry Genetics
Classification: Likely benign for Inborn genetic diseases. Last evaluated: 2017-05-24. Review status: criteria provided, single submitter. Criteria: Ambry Variant Classification Scheme 2023. Collection method: clinical testing. Allele origin: germline.

GeneDx
Classification: Uncertain significance. Last evaluated: 2016-08-03. Review status: criteria provided, single submitter. Criteria: GeneDx Variant Classification (06012015). Collection method: clinical testing. Allele origin: germline. Affected: yes.
Comment: A variant of uncertain significance has been identified in the ATP1A2 gene. The R51H variant has been reported in association with migraine without aura; however, functional studies showed no significant differences between this variant and the wild type protein (Swarts et al., 2013). The R51H variant is not observed at a significant frequency in large population cohorts (Lek et al., 2016; 1000 Genomes Consortium et al., 2015; Exome Variant Server). The R51H variant is a conservative amino acid substitution, which is not likely to impact secondary protein structure as these residues share similar properties. However, this substitution occurs at a position that is conserved across species. In silico analysis is inconsistent in its predictions as to whether or not the variant is damaging to the protein structure/function. Therefore, based on the currently available information, it is unclear whether this variant is a pathogenic variant or a rare benign variant.

PreventionGenetics, part of Exact Sciences
Classification: Uncertain significance for ATP1A2-related condition. Last evaluated: 2024-03-12. Review status: no assertion criteria provided. Collection method: clinical testing. Allele origin: germline. Not counted in ClinVar's aggregate classification.
Comment: The ATP1A2 c.152G>A variant is predicted to result in the amino acid substitution p.Arg51His. This variant has been reported in a three-generation Portuguese family with migraine without aura, however functional analysis of this variant showed results similar to wildtype (Swarts et al. 2013. PubMed ID: 23954377). This variant is reported in 0.020% of alleles in individuals of European (Non-Finnish) descent in gnomAD. At this time, the clinical significance of this variant is uncertain due to the absence of conclusive functional and genetic evidence.

Literature cited by the submitters: PubMed 23954377 (cited by Labcorp Genetics (formerly Invitae), Labcorp and Women's Health and Genetics/Laboratory Corporation of America, LabCorp).